The following is an entry in ClinVar:

NM_000179.3(MSH6):c.1204T>G (p.Phe402Val)

Gene: MSH6 (mutS homolog 6; plus strand). Cytogenetic location: 2p16.3.
Variant type: single nucleotide variant.
Coding change: c.1204T>G on transcript NM_000179.3 (MANE Select); coding-DNA position 1204, T replaced by G.
Protein change: p.Phe402Val; replaces phenylalanine 402 with valine.
Molecular consequence: missense variant. On other transcripts: non-coding transcript variant (4), intron variant (1).
Genome position (GRCh38, 1-based): chr2:47,799,187, T>G. VCF-style: chr2-47799187-T-G. GRCh37 (hg19) VCF-style: chr2-48026326-T-G.
Other names: c.814T>G, p.Phe272Val (NM_001281492.2); c.298T>G, p.Phe100Val (NM_001281493.2, NM_001281494.2, NM_001406811.1 and 6 more transcripts); c.1300T>G, p.Phe434Val (NM_001406795.1, NM_001406802.1); c.1204T>G, p.Phe402Val (NM_001406796.1, NM_001406798.1, NM_001406800.1 and 4 more transcripts); c.907T>G, p.Phe303Val (NM_001406797.1, NM_001406801.1, NM_001406805.1 and 10 more transcripts); c.679T>G, p.Phe227Val (NM_001406799.1, NM_001406806.1, NM_001406807.1); c.1126T>G, p.Phe376Val (NM_001406804.1); c.1210T>G, p.Phe404Val (NM_001406813.1); and 2 more; short protein forms F100V, F346V, F376V, F402V, F272V, F303V, F434V, F227V.
Identifiers: ClinVar variation 2587357 (VCV002587357.3), dbSNP rs2104327773, ClinGen allele CA346743442.

ClinVar aggregate classification (germline): Uncertain significance. Review status: criteria provided, multiple submitters, no conflicts (2 of 4 stars). 2 submissions from 2 submitters: Uncertain significance (2). Last evaluated 2026-01-24.

Conditions:
Hereditary cancer-predisposing syndrome. Also called: Tumor predisposition; Hereditary Cancer Syndrome; Hereditary neoplastic syndrome; Neoplastic Syndromes, Hereditary. Identifiers: Orphanet 140162, MedGen C0027672, MeSH D009386, MONDO:0015356.
Hereditary nonpolyposis colorectal neoplasms. Identifiers: MedGen C0009405, MeSH D003123.

Submissions (2):

Labcorp Genetics (formerly Invitae), Labcorp
Classification: Uncertain significance for Hereditary nonpolyposis colorectal neoplasms. Last evaluated: 2026-01-24. Review status: criteria provided, single submitter. Criteria: Invitae Variant Classification Sherloc (09022015). Collection method: clinical testing. Allele origin: germline.
Comment: This sequence change replaces phenylalanine, which is neutral and non-polar, with valine, which is neutral and non-polar, at codon 402 of the MSH6 protein (p.Phe402Val). This variant is not present in population databases (gnomAD no frequency). This variant has not been reported in the literature in individuals affected with MSH6-related conditions. ClinVar contains an entry for this variant (Variation ID: 2587357). Invitae Evidence Modeling of protein sequence and biophysical properties (such as structural, functional, and spatial information, amino acid conservation, physicochemical variation, residue mobility, and thermodynamic stability) indicates that this missense variant is not expected to disrupt MSH6 protein function with a negative predictive value of 95%. In summary, the available evidence is currently insufficient to determine the role of this variant in disease. Therefore, it has been classified as a Variant of Uncertain Significance.

Ambry Genetics
Classification: Uncertain significance for Hereditary cancer-predisposing syndrome. Last evaluated: 2023-09-13. Review status: criteria provided, single submitter. Criteria: Ambry Variant Classification Scheme 2023. Collection method: clinical testing. Allele origin: germline.
Comment: The p.F402V variant (also known as c.1204T>G), located in coding exon 4 of the MSH6 gene, results from a T to G substitution at nucleotide position 1204. The phenylalanine at codon 402 is replaced by valine, an amino acid with highly similar properties. This amino acid position is not well conserved in available vertebrate species. In addition, this alteration is predicted to be deleterious by in silico analysis. Since supporting evidence is limited at this time, the clinical significance of this alteration remains unclear.